The following is an entry in ClinVar:

ClinVar aggregate classification (germline): Uncertain significance (1 of 4 stars; one submission).

gnomAD v4.1: 4 of 1,535,860 alleles (0.00026%); highest among the groups gnomAD compares: Admixed American, 0.002%; no homozygotes.

Submission:

Labcorp Genetics (formerly Invitae), Labcorp
Classification: Uncertain significance. Last evaluated: 2024-07-13. Review status: criteria provided, single submitter. Criteria: Invitae Variant Classification Sherloc (09022015). Collection method: clinical testing. Allele origin: germline.
Comment: This sequence change replaces leucine, which is neutral and non-polar, with serine, which is neutral and polar, at codon 56 of the BBIP1 protein (p.Leu56Ser). The frequency data for this variant in the population databases is considered unreliable, as metrics indicate poor data quality at this position in the gnomAD database. This variant has not been reported in the literature in individuals affected with BBIP1-related conditions. An algorithm developed to predict the effect of missense changes on protein structure and function (PolyPhen-2) suggests that this variant is likely to be disruptive. In summary, the available evidence is currently insufficient to determine the role of this variant in disease. Therefore, it has been classified as a Variant of Uncertain Significance.

NM_001195305.3(BBIP1):c.167T>C (p.Leu56Ser)

Gene: BBIP1 (BBSome interacting protein 1; minus strand). Cytogenetic location: 10q25.2.
Variant type: single nucleotide variant.
Coding change: c.167T>C on transcript NM_001195305.3 (MANE Select); coding-DNA position 167, T replaced by C.
Protein change: p.Leu56Ser; replaces leucine 56 with serine.
Molecular consequence: missense variant. On other transcripts: 3 prime UTR variant (1).
Genome position (GRCh38, 1-based): chr10:110,900,472, A>G on the plus strand (T>C on the coding strand, the complement: BBIP1 is on the minus strand). VCF-style: chr10-110900472-A-G. GRCh37 (hg19) VCF-style: chr10-112660230-A-G.
Other names: c.*12T>C (NM_001195304.2); c.167T>C, p.Leu56Ser (NM_001195306.2); c.92T>C, p.Leu31Ser (NM_001195307.2); c.101T>C, p.Leu34Ser (NM_001243783.3); short protein forms L31S, L56S, L34S.
Identifiers: ClinVar variation 3672671 (VCV003672671.2).
Genomic context (GRCh38, chr10:110,900,472, plus strand): 5'-GTATTCTGTGCTGCTTGATGCATTTTCTCTAGTTTTTCCAGAGTCAGAGATTTTAAGGGT[A>G]AAAGTTTGGGTTTACACAGCACCATTGTCATTATATCTTCCACAAACAGTGGCCCTAAGT-3'
Protein context (NP_001182234.1, residues 46-66): MTMVLCKPKL[Leu56Ser]PLKSLTLEKL